The following is an entry in ClinVar:

NM_138387.4(G6PC3):c.417-10_417-9del

Gene: G6PC3 (glucose-6-phosphatase catalytic subunit 3; plus strand). Cytogenetic location: 17q21.31.
Variant type: Deletion.
Coding change: c.417-10_417-9del on transcript NM_138387.4 (MANE Select); 10 bases into the intron before coding-DNA position 417 through 9 bases into the intron before coding-DNA position 417, 2 bases deleted (TT; older notation c.417-10_417-9delTT).
Molecular consequence: intron variant.
Genome position (GRCh38, 1-based): chr17:44,074,959-44,074,960, TT deleted. VCF-style (leftmost placement, unchanged base first): chr17-44074958-CTT-C. GRCh37 (hg19) VCF-style: chr17-42152326-CTT-C.
Other names: c.72-10_72-9del (NM_001384165.1, NM_001384166.1, NM_001384167.1 and 1 more transcripts); c.416+189_416+190del (NM_001319945.2).
Identifiers: ClinVar variation 3609705 (VCV003609705.2).

ClinVar aggregate classification (germline): Uncertain significance (1 of 4 stars; one submission).

Conditions:
Autosomal recessive severe congenital neutropenia due to G6PC3 deficiency. Also called: NEUTROPENIA, SEVERE CONGENITAL, 4, AUTOSOMAL RECESSIVE; G6PC3 Deficiency. Identifiers: Orphanet 331176, MedGen C2751630, MONDO:0012930, OMIM 612541.

Submission:

Labcorp Genetics (formerly Invitae), Labcorp
Classification: Uncertain significance for Autosomal recessive severe congenital neutropenia due to G6PC3 deficiency. Last evaluated: 2024-05-10. Review status: criteria provided, single submitter. Criteria: Invitae Variant Classification Sherloc (09022015). Collection method: clinical testing. Allele origin: germline.
Comment: This sequence change falls in intron 3 of the G6PC3 gene. It does not directly change the encoded amino acid sequence of the G6PC3 protein. This variant is present in population databases (no rsID available, gnomAD 0.004%). This variant has not been reported in the literature in individuals affected with G6PC3-related conditions. Algorithms developed to predict the effect of sequence changes on RNA splicing suggest that this variant may disrupt the consensus splice site. In summary, the available evidence is currently insufficient to determine the role of this variant in disease. Therefore, it has been classified as a Variant of Uncertain Significance.